The following is an entry in ClinVar:

NM_004260.4(RECQL4):c.2317G>A (p.Ala773Thr)

Gene: RECQL4 (RecQ like helicase 4; minus strand). Cytogenetic location: 8q24.3.
Variant type: single nucleotide variant.
Coding change: c.2317G>A on transcript NM_004260.4 (MANE Select); coding-DNA position 2317, G replaced by A.
Protein change: p.Ala773Thr; replaces alanine 773 with threonine.
Molecular consequence: missense variant.
Genome position (GRCh38, 1-based): chr8:144,513,364, C>T on the plus strand (G>A on the coding strand, the complement: RECQL4 is on the minus strand). VCF-style: chr8-144513364-C-T. GRCh37 (hg19) VCF-style: chr8-145738747-C-T.
Other names: short protein forms A773T.
Identifiers: ClinVar variation 642007 (VCV000642007.8), dbSNP rs1385567680, ClinGen allele CA372678363.

ClinVar aggregate classification (germline): Uncertain significance. Review status: criteria provided, multiple submitters, no conflicts (2 of 4 stars). 2 submissions from 2 submitters: Uncertain significance (2). Last evaluated 2025-12-07.

Conditions:
Baller-Gerold syndrome (BGS). Also called: CRANIOSYNOSTOSIS WITH RADIAL DEFECTS. Identifiers: Orphanet 1225, MedGen C0265308, MONDO:0009039, OMIM 218600.
Inborn genetic diseases. Identifiers: MedGen C0950123, MeSH D030342.

gnomAD v4.1: 1 of 1,606,470 alleles (0.000062%); highest among the groups gnomAD compares: Non-Finnish European, 0.000085%; no homozygotes.

Submissions (2):

Ambry Genetics
Classification: Uncertain significance for Inborn genetic diseases. Last evaluated: 2025-12-07. Review status: criteria provided, single submitter. Criteria: Ambry Variant Classification Scheme 2023. Collection method: clinical testing. Allele origin: germline.
Comment: The p.A773T variant (also known as c.2317G>A), located in coding exon 14 of the RECQL4 gene, results from a G to A substitution at nucleotide position 2317. The alanine at codon 773 is replaced by threonine, an amino acid with similar properties. This amino acid position is conserved. Based on the available evidence, the clinical significance of this variant remains unclear.

Labcorp Genetics (formerly Invitae), Labcorp
Classification: Uncertain significance for Baller-Gerold syndrome. Last evaluated: 2025-03-18. Review status: criteria provided, single submitter. Criteria: Invitae Variant Classification Sherloc (09022015). Collection method: clinical testing. Allele origin: germline.
Comment: This sequence change replaces alanine, which is neutral and non-polar, with threonine, which is neutral and polar, at codon 773 of the RECQL4 protein (p.Ala773Thr). This variant is not present in population databases (gnomAD no frequency). This variant has not been reported in the literature in individuals affected with RECQL4-related conditions. ClinVar contains an entry for this variant (Variation ID: 642007). Invitae Evidence Modeling of protein sequence and biophysical properties (such as structural, functional, and spatial information, amino acid conservation, physicochemical variation, residue mobility, and thermodynamic stability) indicates that this missense variant is expected to disrupt RECQL4 protein function with a positive predictive value of 80%. In summary, the available evidence is currently insufficient to determine the role of this variant in disease. Therefore, it has been classified as a Variant of Uncertain Significance.